The following is an entry in ClinVar:

NM_007046.4(EMILIN1):c.1607A>G (p.Gln536Arg)

Gene: EMILIN1 (elastin microfibril interfacer 1; plus strand). Cytogenetic location: 2p23.3.
Variant type: single nucleotide variant.
Coding change: c.1607A>G on transcript NM_007046.4 (MANE Select); coding-DNA position 1607, A replaced by G.
Protein change: p.Gln536Arg; replaces glutamine 536 with arginine.
Molecular consequence: missense variant.
Genome position (GRCh38, 1-based): chr2:27,083,178, A>G. VCF-style: chr2-27083178-A-G. GRCh37 (hg19) VCF-style: chr2-27306046-A-G.
Other names: short protein forms Q536R.
Identifiers: ClinVar variation 729665 (VCV000729665.7), dbSNP rs36069611, ClinGen allele CA1568755.

ClinVar aggregate classification (germline): Benign. Review status: criteria provided, multiple submitters, no conflicts (2 of 4 stars). 3 submissions from 3 submitters: Benign (2). 1 of the submissions does not count toward it. Last evaluated 2019-12-31.

Conditions:
EMILIN1-related disorder. Also called: EMILIN1-related condition.

Allele frequency attached by ClinVar (database versions not stated): gnomAD exomes 0.00239; ExAC 0.00348; 1000 Genomes Project 0.00919; 1000 Genomes Project 30x 0.00937; gnomAD 0.00953 and 0.01032; TOPMed 0.01118; ESP Exome Variant Server 0.01199.
gnomAD v4.1: 3,018 of 1,610,726 alleles (0.19%); highest among the groups gnomAD compares: African/African-American, 3.5%; 51 homozygotes.

Submissions (3):

Labcorp Genetics (formerly Invitae), Labcorp
Classification: Benign. Last evaluated: 2019-12-31. Review status: criteria provided, single submitter. Criteria: Invitae Variant Classification Sherloc (09022015). Collection method: clinical testing. Allele origin: germline.

Breakthrough Genomics
Classification: Benign. Review status: criteria provided, single submitter. Criteria: ACMG Guidelines, 2015. Collection method: not provided. Allele origin: germline. Inheritance: Unknown mechanism. Affected: yes.

PreventionGenetics, part of Exact Sciences
Classification: Benign for EMILIN1-related condition. Last evaluated: 2020-01-07. Review status: no assertion criteria provided. Collection method: clinical testing. Allele origin: germline. Not counted in ClinVar's aggregate classification.
Comment: This variant is classified as benign based on ACMG/AMP sequence variant interpretation guidelines (Richards et al. 2015 PMID: 25741868, with internal and published modifications).